The following is an entry in ClinVar:

ClinVar aggregate classification (germline): Uncertain significance (1 of 4 stars; one submission).

Conditions:
Cardiovascular phenotype. Identifiers: MedGen CN230736.

Submission:

Ambry Genetics
Classification: Uncertain significance for Cardiovascular phenotype. Last evaluated: 2023-05-22. Review status: criteria provided, single submitter. Criteria: Ambry Variant Classification Scheme 2023. Collection method: clinical testing. Allele origin: germline.
Comment: The p.Q311R variant (also known as c.932A>G), located in coding exon 3 of the APOA5 gene, results from an A to G substitution at nucleotide position 932. The glutamine at codon 311 is replaced by arginine, an amino acid with highly similar properties. This amino acid position is conserved. In addition, this alteration is predicted to be tolerated by in silico analysis. Since supporting evidence is limited at this time, the clinical significance of this alteration remains unclear.

NM_001371904.1(APOA5):c.932A>G (p.Gln311Arg)

Gene: APOA5 (apolipoprotein A5; minus strand). Cytogenetic location: 11q23.3.
Variant type: single nucleotide variant.
Coding change: c.932A>G on transcript NM_001371904.1 (MANE Select); coding-DNA position 932, A replaced by G.
Protein change: p.Gln311Arg; replaces glutamine 311 with arginine.
Molecular consequence: missense variant.
Genome position (GRCh38, 1-based): chr11:116,790,297, T>C on the plus strand (A>G on the coding strand, the complement: APOA5 is on the minus strand). VCF-style: chr11-116790297-T-C. GRCh37 (hg19) VCF-style: chr11-116661013-T-C.
Other names: c.932A>G, p.Gln311Arg (NM_001166598.2, NM_052968.5); short protein forms Q311R.
Identifiers: ClinVar variation 2567117 (VCV002567117.2), dbSNP rs2540243681, ClinGen allele CA382734932.
Genomic context (GRCh38, chr11:116,790,297, plus strand): 5'-GTTTGTTGAAACTCTGGGGCGAAGGCACTGTGGCCTGGTGGAGGTGGCGCCAGCTGCTGC[T>C]GGACCTCCTCAGTCTCCTGGTCGATGGCGCGAGTGAAGGCAGCTATCTGCAGGTAGGTGT-3'
Protein context (NP_001358833.1, residues 301-321): RAIDQETEEV[Gln311Arg]QQLAPPPPGH